The following is an entry in ClinVar:

ClinVar aggregate classification (germline): Benign. Review status: criteria provided, multiple submitters, no conflicts (2 of 4 stars). 2 submissions from 2 submitters: Benign (2). Last evaluated 2018-06-19.

Allele frequency attached by ClinVar (database versions not stated): 1000 Genomes Project 0.74760; 1000 Genomes Project 30x 0.74906; TOPMed 0.74957; gnomAD 0.75145 and 0.75499; gnomAD exomes 0.80873.
gnomAD v4.1: 965,924 of 1,204,854 alleles (80%); highest among the groups gnomAD compares: South Asian, 84%; 389,241 homozygotes.

Submissions (2):

GeneDx
Classification: Benign. Last evaluated: 2018-06-19. Review status: criteria provided, single submitter. Criteria: GeneDx Variant Classification (06012015). Collection method: clinical testing. Allele origin: germline. Affected: yes.
Comment: This variant is considered likely benign or benign based on one or more of the following criteria: it is a conservative change, it occurs at a poorly conserved position in the protein, it is predicted to be benign by multiple in silico algorithms, and/or has population frequency not consistent with disease.

Breakthrough Genomics
Classification: Benign. Review status: criteria provided, single submitter. Criteria: ACMG Guidelines, 2015. Collection method: not provided. Allele origin: germline. Inheritance: Autosomal recessive inheritance. Affected: yes.

NM_005045.4(RELN):c.7668+99G>A

Gene: RELN (reelin; minus strand). Cytogenetic location: 7q22.1.
Variant type: single nucleotide variant.
Coding change: c.7668+99G>A on transcript NM_005045.4 (MANE Select); 99 bases into the intron after coding-DNA position 7668, G replaced by A.
Molecular consequence: intron variant.
Genome position (GRCh38, 1-based): chr7:103,521,923, C>T on the plus strand (G>A on the coding strand, the complement: RELN is on the minus strand). VCF-style: chr7-103521923-C-T. GRCh37 (hg19) VCF-style: chr7-103162370-C-T.
Other names: c.7668+99G>A (NM_173054.3).
Identifiers: ClinVar variation 669137 (VCV000669137.2), dbSNP rs10282605, ClinGen allele CA15494250.
Genomic context (GRCh38, chr7:103,521,923, plus strand): 5'-CATAAAGATTTGTATAAAGTTGCAAGTTCAGATCAGGGTTGTACATTTAGGGTAACTAAC[C>T]CTGCATCTTGATTTGCCCATTAAACTTCAGAAGAGAGTCAACTATTTGGAAGGAACTTAA-3'